The following is an entry in ClinVar:

NM_004006.3(DMD):c.9091G>T (p.Val3031Phe)

Gene: DMD (dystrophin; minus strand). Cytogenetic location: Xp21.2.
Variant type: single nucleotide variant.
Coding change: c.9091G>T on transcript NM_004006.3 (MANE Select); coding-DNA position 9091, G replaced by T.
Protein change: p.Val3031Phe; replaces valine 3031 with phenylalanine.
Molecular consequence: missense variant.
Genome position (GRCh38, 1-based): chrX:31,348,628, C>A on the plus strand (G>T on the coding strand, the complement: DMD is on the minus strand). VCF-style: chrX-31348628-C-A. GRCh37 (hg19) VCF-style: chrX-31366745-C-A.
Other names: c.9067G>T, p.Val3023Phe (NM_000109.4); c.9079G>T, p.Val3027Phe (NM_004009.3); c.8722G>T, p.Val2908Phe (NM_004010.3); c.5068G>T, p.Val1690Phe (NM_004011.4); c.5059G>T, p.Val1687Phe (NM_004012.4); c.1711G>T, p.Val571Phe (NM_004013.3, NM_004020.4, NM_004021.3 and 2 more transcripts); c.904G>T, p.Val302Phe (NM_004014.3); short protein forms V1687F, V1690F, V2908F, V3023F, V3027F, V302F, V3031F, V571F.
Identifiers: ClinVar variation 3617235 (VCV003617235.2).
Genomic context (GRCh38, chrX:31,348,628, plus strand): 5'-GCTGAGATGCTGGACCAAAGTCCCTGTGGGCTTCATGCAGCTGCCTGACTCGGTCCTCGA[C>A]GGCCACCTGGGAGGAAAAGGAGAGAAATGATGTTCTCTCATTCTATATAATGAGGAACAA-3'
Protein context (NP_003997.2, residues 3021-3041): NTRWKLLQVA[Val3031Phe]EDRVRQLHEA

ClinVar aggregate classification (germline): Uncertain significance (1 of 4 stars; one submission).

Conditions:
Duchenne muscular dystrophy (DMD). Also called: MUSCULAR DYSTROPHY, PSEUDOHYPERTROPHIC PROGRESSIVE, DUCHENNE TYPE; Duchenne Muscular Dystrophy (DMD). Identifiers: Orphanet 98896, MedGen C0013264, MONDO:0010679, OMIM 310200.

gnomAD v4.1: 2 of 1,208,139 alleles (0.00017%); highest among the groups gnomAD compares: East Asian, 0.003%; no homozygotes.

Submission:

Labcorp Genetics (formerly Invitae), Labcorp
Classification: Uncertain significance for Duchenne muscular dystrophy. Last evaluated: 2025-01-27. Review status: criteria provided, single submitter. Criteria: Invitae Variant Classification Sherloc (09022015). Collection method: clinical testing. Allele origin: germline.
Comment: This sequence change replaces valine, which is neutral and non-polar, with phenylalanine, which is neutral and non-polar, at codon 3031 of the DMD protein (p.Val3031Phe). This variant is not present in population databases (gnomAD no frequency). This variant has not been reported in the literature in individuals affected with DMD-related conditions. Invitae Evidence Modeling of protein sequence and biophysical properties (such as structural, functional, and spatial information, amino acid conservation, physicochemical variation, residue mobility, and thermodynamic stability) indicates that this missense variant is not expected to disrupt DMD protein function with a negative predictive value of 95%. In summary, the available evidence is currently insufficient to determine the role of this variant in disease. Therefore, it has been classified as a Variant of Uncertain Significance.